The following is an entry in ClinVar:

ClinVar aggregate classification (germline): Benign (1 of 4 stars; one submission).

Conditions:
Amyotrophic lateral sclerosis type 6. Also called: FUS-Related Amyotrophic Laterial Sclerosis; AMYOTROPHIC LATERAL SCLEROSIS 6 WITHOUT FRONTOTEMPORAL DEMENTIA; Amyotrophic lateral sclerosis 6, with or without frontotemporal dementia. Identifiers: Orphanet 275872, Orphanet 803, MedGen C2931786, MONDO:0011951, OMIM 608030.

Allele frequency attached by ClinVar (database versions not stated): TOPMed 0.98960; gnomAD 0.98998 and 0.99072; 1000 Genomes Project 30x 0.99032; ExAC 0.99944; 1000 Genomes Project 0.99101; gnomAD exomes 0.99805 and 0.99882.
gnomAD v4.1: 483,707 of 485,508 alleles (100%); highest among the groups gnomAD compares: Non-Finnish European, 100%; 240,990 homozygotes.

Submission:

Illumina Laboratory Services, Illumina
Classification: Benign for Amyotrophic lateral sclerosis type 6. Last evaluated: 2018-01-12. Review status: criteria provided, single submitter. Criteria: ICSL Variant Classification Criteria 13 December 2019. Collection method: clinical testing. Allele origin: germline.
Comment: This variant was observed in the ICSL laboratory as part of a predisposition screen in an ostensibly healthy population. It had not been previously curated by ICSL or reported in the Human Gene Mutation Database (HGMD: prior to June 1st, 2018), and was therefore a candidate for classification through an automated scoring system. Utilizing variant allele frequency, disease prevalence and penetrance estimates, and inheritance mode, an automated score was calculated to assess if this variant is too frequent to cause the disease. Based on the score and internal cut-off values, a variant classified as benign is not then subjected to further curation. The score for this variant resulted in a classification of benign for this disease.

NM_004960.3(FUS):c.*1476T>C

Gene: FUS (FUS DNA/RNA binding protein; plus strand). Cytogenetic location: 16p11.2.
Variant type: single nucleotide variant.
Coding change: c.*1476T>C on transcript NM_004960.3; 1476 bases downstream of the stop codon, T replaced by C.
Molecular consequence: 3 prime UTR variant (on NM_001170634.1). On other transcripts: non-coding transcript variant (1).
Genome position (GRCh38, 1-based): chr16:31,192,914, T>C. VCF-style: chr16-31192914-T-C. GRCh37 (hg19) VCF-style: chr16-31204235-T-C.
Other names: c.*1476T>C (NM_001170634.1, NM_001170937.1).
Identifiers: ClinVar variation 319017 (VCV000319017.7), dbSNP rs11860134, ClinGen allele CA8024248.
Genomic context (GRCh38, chr16:31,192,914, plus strand): 5'-GAGCCGCTGCATCTGGCCATCCTCTCAAATTTTCAAGTGTTCCACAAGTATGTTCTCTAC[T>C]GAAGAGTTGCTGCATCCTTGAATCTTGGGTGATTTGAGGCACAGAAACTATGACTTTATT-3'